The following is an entry in ClinVar:

NM_013276.4(SHPK):c.250G>A (p.Val84Ile)

Gene: SHPK (sedoheptulokinase; minus strand). Cytogenetic location: 17p13.2.
Variant type: single nucleotide variant.
Coding change: c.250G>A on transcript NM_013276.4 (MANE Select); coding-DNA position 250, G replaced by A.
Protein change: p.Val84Ile; replaces valine 84 with isoleucine.
Molecular consequence: missense variant.
Genome position (GRCh38, 1-based): chr17:3,630,265, C>T on the plus strand (G>A on the coding strand, the complement: SHPK is on the minus strand). VCF-style: chr17-3630265-C-T. GRCh37 (hg19) VCF-style: chr17-3533559-C-T.
Other names: short protein forms V84I.
Identifiers: ClinVar variation 2464514 (VCV002464514.4), dbSNP rs373376728, ClinGen allele CA8291400.

ClinVar aggregate classification (germline): Uncertain significance. Review status: criteria provided, multiple submitters, no conflicts (2 of 4 stars). 2 submissions from 2 submitters: Uncertain significance (2). Last evaluated 2025-08-12.

Allele frequency attached by ClinVar (database versions not stated): ExAC 0.00004; ESP Exome Variant Server 0.00008.
gnomAD v4.1: 45 of 1,613,840 alleles (0.0028%); highest among the groups gnomAD compares: Middle Eastern, 0.016%; no homozygotes.

Submissions (2):

Labcorp Genetics (formerly Invitae), Labcorp
Classification: Uncertain significance. Last evaluated: 2025-08-12. Review status: criteria provided, single submitter. Criteria: Invitae Variant Classification Sherloc (09022015). Collection method: clinical testing. Allele origin: germline.
Comment: This sequence change replaces valine, which is neutral and non-polar, with isoleucine, which is neutral and non-polar, at codon 84 of the SHPK protein (p.Val84Ile). This variant is present in population databases (rs373376728, gnomAD 0.01%). This variant has not been reported in the literature in individuals affected with SHPK-related conditions. ClinVar contains an entry for this variant (Variation ID: 2464514). An algorithm developed to predict the effect of missense changes on protein structure and function (PolyPhen-2) suggests that this variant is likely to be disruptive. In summary, the available evidence is currently insufficient to determine the role of this variant in disease. Therefore, it has been classified as a Variant of Uncertain Significance.

Ambry Genetics
Classification: Uncertain significance. Last evaluated: 2025-08-10. Review status: criteria provided, single submitter. Criteria: Ambry Variant Classification Scheme 2023. Collection method: clinical testing. Allele origin: germline.